The following is an entry in ClinVar:

NM_007347.5(AP4E1):c.2848A>T (p.Ser950Cys)

Gene: AP4E1 (adaptor related protein complex 4 subunit epsilon 1; plus strand). Cytogenetic location: 15q21.2.
Variant type: single nucleotide variant.
Coding change: c.2848A>T on transcript NM_007347.5 (MANE Select); coding-DNA position 2848, A replaced by T.
Protein change: p.Ser950Cys; replaces serine 950 with cysteine.
Molecular consequence: missense variant.
Genome position (GRCh38, 1-based): chr15:50,997,827, A>T. VCF-style: chr15-50997827-A-T. GRCh37 (hg19) VCF-style: chr15-51290024-A-T.
Other names: c.2623A>T, p.Ser875Cys (NM_001252127.2); c.2848A>T (NM_007347.3); short protein forms S875C, S950C.
Identifiers: ClinVar variation 2645337 (VCV002645337.25), dbSNP rs1457507624, ClinGen allele CA392420877.
Genomic context (GRCh38, chr15:50,997,827, plus strand): 5'-TCTTCTTATAAAATTTGGAAAGATGATTGTTTATTGATGGTCTGGTCAGTCACTAATAAG[A>T]GTGGTTTGGAATTGAAAAGTGCTGACTTAGAAATTTTTCCTGCAGAAAATTTCAAGGTAA-3'
Protein context (NP_031373.2, residues 940-960): LLMVWSVTNK[Ser950Cys]GLELKSADLE

ClinVar aggregate classification (germline): Uncertain significance. Review status: criteria provided, multiple submitters, no conflicts (2 of 4 stars). 2 submissions from 2 submitters: Uncertain significance (2). Last evaluated 2025-08-07.

Conditions:
Inborn genetic diseases. Identifiers: MedGen C0950123, MeSH D030342.

Allele frequency attached by ClinVar (database versions not stated): TOPMed below 0.00001; gnomAD 0.00001; gnomAD exomes 0.00001.
gnomAD v4.1: 16 of 1,600,812 alleles (0.001%); highest among the groups gnomAD compares: Non-Finnish European, 0.0012%; 1 homozygote.

Submissions (2):

Ambry Genetics
Classification: Uncertain significance for Inborn genetic diseases. Last evaluated: 2025-08-07. Review status: criteria provided, single submitter. Criteria: Ambry Variant Classification Scheme 2023. Collection method: clinical testing. Allele origin: germline.

CeGaT Center for Human Genetics Tuebingen
Classification: Uncertain significance. Last evaluated: 2022-05-01. Review status: criteria provided, single submitter. Criteria: CeGaT Center For Human Genetics Tuebingen Variant Classification Criteria Version 2. Collection method: clinical testing. Allele origin: germline. Affected: yes. Observed: 1 variant allele.
Comment: AP4E1: PM2, BP4